The following is an entry in ClinVar:

NM_000116.5(TAFAZZIN):c.89C>T (p.Thr30Ile)

Genes: DNASE1L1 (deoxyribonuclease 1 like 1; minus strand), TAFAZZIN (tafazzin, phospholipid-lysophospholipid transacylase; plus strand), LOC130068869 (ATAC-STARR-seq lymphoblastoid silent region 21101; plus strand). Cytogenetic location: Xq28.
Variant type: single nucleotide variant.
Coding change: c.89C>T on transcript NM_000116.5 (MANE Select); coding-DNA position 89, C replaced by T.
Protein change: p.Thr30Ile; replaces threonine 30 with isoleucine.
Molecular consequence: missense variant. On other transcripts: non-coding transcript variant (1), 5 prime UTR variant (3).
Genome position (GRCh38, 1-based): chrX:154,411,932, C>T. VCF-style: chrX-154411932-C-T. GRCh37 (hg19) VCF-style: chrX-153640269-C-T.
Other names: c.89C>T, p.Thr30Ile (NM_001440858.1, NM_181311.4, NM_181312.4 and 5 more transcripts); c.-472G>A (NM_001009932.3); c.-214G>A (NM_001009933.3); c.-129G>A (NM_001009934.3); short protein forms T30I.
Identifiers: ClinVar variation 848014 (VCV000848014.8), dbSNP rs2068315101, ClinGen allele CA415178519.
Genomic context (GRCh38, chrX:154,411,932, plus strand): 5'-CCGCGGTGCCGCCGCTCACCTGGACCCTGGCCAGCAGCGTCGTCATGGGCTTGGTGGGCA[C>T]CTACAGCTGCTTCTGGACCAGTGAGTGGGCCCAGGCCGAGGCAGGCCCGCCCGGGTACCC-3'
Protein context (NP_000107.1, residues 20-40): ASSVVMGLVG[Thr30Ile]YSCFWTKYMN

ClinVar aggregate classification (germline): Uncertain significance. Review status: criteria provided, multiple submitters, no conflicts (2 of 4 stars). 2 submissions from 2 submitters: Uncertain significance (2). Last evaluated 2026-06-29.

Conditions:
Cardiovascular phenotype. Identifiers: MedGen CN230736.
3-Methylglutaconic aciduria type 2 (BTHS). Also called: CARDIOSKELETAL MYOPATHY WITH NEUTROPENIA AND ABNORMAL MITOCHONDRIA; Barth syndrome. Identifiers: Orphanet 111, MedGen C0574083, MONDO:0010543, OMIM 302060.

Submissions (2):

Ambry Genetics
Classification: Uncertain significance for Cardiovascular phenotype. Last evaluated: 2026-06-29. Review status: criteria provided, single submitter. Criteria: Ambry Variant Classification Scheme 2023. Collection method: clinical testing. Allele origin: germline.
Comment: The p.T30I variant (also known as c.89C>T), located in coding exon 1 of the TAZ gene, results from a C to T substitution at nucleotide position 89. The threonine at codon 30 is replaced by isoleucine, an amino acid with similar properties. This amino acid position is well conserved in available vertebrate species. In addition, the in silico prediction for this alteration is inconclusive. Based on the available evidence, the clinical significance of this variant remains unclear.

Labcorp Genetics (formerly Invitae), Labcorp
Classification: Uncertain significance for 3-Methylglutaconic aciduria type 2. Last evaluated: 2022-08-15. Review status: criteria provided, single submitter. Criteria: Invitae Variant Classification Sherloc (09022015). Collection method: clinical testing. Allele origin: germline.
Comment: In summary, the available evidence is currently insufficient to determine the role of this variant in disease. Therefore, it has been classified as a Variant of Uncertain Significance. Algorithms developed to predict the effect of missense changes on protein structure and function are either unavailable or do not agree on the potential impact of this missense change (SIFT: "Not Available"; PolyPhen-2: "Benign"; Align-GVGD: "Not Available"). ClinVar contains an entry for this variant (Variation ID: 848014). This variant has not been reported in the literature in individuals affected with TAZ-related conditions. This variant is not present in population databases (gnomAD no frequency). This sequence change replaces threonine, which is neutral and polar, with isoleucine, which is neutral and non-polar, at codon 30 of the TAZ protein (p.Thr30Ile).